The following is an entry in ClinVar:

ClinVar aggregate classification (germline): Conflicting classifications of pathogenicity. Review status: criteria provided, conflicting classifications (1 of 4 stars). 2 submissions from 2 submitters: Uncertain significance (1); Likely benign (1). Last evaluated 2024-10-29.

Conditions:
PCNT-related disorder. Also called: PCNT-related condition.

Allele frequency attached by ClinVar (database versions not stated): TOPMed 0.00006; ESP Exome Variant Server 0.00008.
gnomAD v4.1: 55 of 1,613,976 alleles (0.0034%); highest among the groups gnomAD compares: East Asian, 0.036%; no homozygotes.

Submissions (2):

PreventionGenetics, part of Exact Sciences
Classification: Uncertain significance for PCNT-related condition. Last evaluated: 2024-10-29. Review status: criteria provided, single submitter. Criteria: ACMG Guidelines, 2015. Collection method: clinical testing. Allele origin: germline.
Comment: The PCNT c.6578C>T variant is predicted to result in the amino acid substitution p.Pro2193Leu. To our knowledge, this variant has not been reported in the literature. This variant is reported in 0.043% of alleles in individuals of East Asian descent in gnomAD. At this time, the clinical significance of this variant is uncertain due to the absence of conclusive functional and genetic evidence.

Genetic Services Laboratory, University of Chicago
Classification: Likely benign. Last evaluated: 2016-08-01. Review status: criteria provided, single submitter. Criteria: ACMG Guidelines, 2015. Collection method: clinical testing. Allele origin: germline. Affected: no.

NM_006031.6(PCNT):c.6578C>T (p.Pro2193Leu)

Gene: PCNT (pericentrin; plus strand). Cytogenetic location: 21q22.3.
Variant type: single nucleotide variant.
Coding change: c.6578C>T on transcript NM_006031.6 (MANE Select); coding-DNA position 6578, C replaced by T.
Protein change: p.Pro2193Leu; replaces proline 2193 with leucine.
Molecular consequence: missense variant.
Genome position (GRCh38, 1-based): chr21:46,416,496, C>T. VCF-style: chr21-46416496-C-T. GRCh37 (hg19) VCF-style: chr21-47836410-C-T.
Other names: c.6224C>T, p.Pro2075Leu (NM_001315529.2); short protein forms P2193L, P2075L.
Identifiers: ClinVar variation 436212 (VCV000436212.8), dbSNP rs368565898, ClinGen allele CA10080358.